The following is an entry in ClinVar:

NM_022124.6(CDH23):c.4359+5G>C

Gene: CDH23 (cadherin related 23; plus strand). Cytogenetic location: 10q22.1.
Variant type: single nucleotide variant.
Coding change: c.4359+5G>C on transcript NM_022124.6 (MANE Select); 5 bases into the intron after coding-DNA position 4359, G replaced by C.
Molecular consequence: intron variant.
Genome position (GRCh38, 1-based): chr10:71,738,652, G>C. VCF-style: chr10-71738652-G-C. GRCh37 (hg19) VCF-style: chr10-73498409-G-C.
Identifiers: ClinVar variation 2024951 (VCV002024951.4), dbSNP rs1839638512, ClinGen allele CA1918852744.

ClinVar aggregate classification (germline): Uncertain significance (1 of 4 stars; one submission).

Allele frequency attached by ClinVar (database versions not stated): TOPMed below 0.00001.

Submission:

Labcorp Genetics (formerly Invitae), Labcorp
Classification: Uncertain significance. Last evaluated: 2024-02-24. Review status: criteria provided, single submitter. Criteria: Invitae Variant Classification Sherloc (09022015). Collection method: clinical testing. Allele origin: germline.
Comment: This sequence change falls in intron 35 of the CDH23 gene. It does not directly change the encoded amino acid sequence of the CDH23 protein. It affects a nucleotide within the consensus splice site. This variant is not present in population databases (gnomAD no frequency). This variant has not been reported in the literature in individuals affected with CDH23-related conditions. ClinVar contains an entry for this variant (Variation ID: 2024951). Variants that disrupt the consensus splice site are a relatively common cause of aberrant splicing (PMID: 17576681, 9536098). Algorithms developed to predict the effect of sequence changes on RNA splicing suggest that this variant may disrupt the consensus splice site. In summary, the available evidence is currently insufficient to determine the role of this variant in disease. Therefore, it has been classified as a Variant of Uncertain Significance.

Literature cited by the submitters: PubMed 17576681; PubMed 9536098.